The following is an entry in ClinVar:

ClinVar aggregate classification (germline): Uncertain significance. Review status: criteria provided, multiple submitters, no conflicts (2 of 4 stars). 5 submissions from 5 submitters: Uncertain significance (5). Last evaluated 2026-03-25.

Conditions:
PLEC-related disorder. Also called: PLEC-related condition; PLEC-related disorders.
Epidermolysis bullosa simplex with nail dystrophy (EBS5D). Identifiers: MedGen C4225309, MONDO:0014661, OMIM 616487.
Epidermolysis bullosa simplex, Ogna type (EBS5A). Also called: Pidermolysis bullosa simplex 5A, Ogna type; EPIDERMOLYSIS BULLOSA SIMPLEX 5A, OGNA TYPE. Identifiers: Orphanet 79401, MedGen C0432317, MONDO:0007555, OMIM 131950.
Epidermolysis bullosa simplex 5B, with muscular dystrophy (EBS5B). Also called: EPIDERMOLYSIS BULLOSA SIMPLEX AND LIMB-GIRDLE MUSCULAR DYSTROPHY; Epidermolysis bullosa simplex with muscular dystrophy. Identifiers: Orphanet 257, MedGen C2931072, MONDO:0009181, OMIM 226670.
Autosomal recessive limb-girdle muscular dystrophy type 2Q (LGMDR17). Also called: MUSCULAR DYSTROPHY, LIMB-GIRDLE, AUTOSOMAL RECESSIVE 17. Identifiers: Orphanet 254361, MedGen C3150989, MONDO:0013390, OMIM 613723.
Epidermolysis bullosa simplex 5C, with pyloric atresia (EBS5C). Also called: PLEC-Related Epidermolysis Bullosa with Pyloric Atresia; Epidermolysis bullosa simplex with pyloric atresia; PLEC1-Related Epidermolysis Bullosa with Pyloric Atresia. Identifiers: Orphanet 158684, MedGen C2677349, MONDO:0012807, OMIM 612138.
Inborn genetic diseases. Identifiers: MedGen C0950123, MeSH D030342.

Allele frequency attached by ClinVar (database versions not stated): TOPMed below 0.00001; gnomAD 0.00001; gnomAD exomes 0.00002.
gnomAD v4.1: 28 of 1,612,366 alleles (0.0017%); highest among the groups gnomAD compares: Admixed American, 0.01%; no homozygotes.

Submissions (5):

PreventionGenetics, part of Exact Sciences
Classification: Uncertain significance for PLEC-related condition. Last evaluated: 2026-03-25. Review status: criteria provided, single submitter. Criteria: ACMG Guidelines, 2015. Collection method: clinical testing. Allele origin: germline.
Comment: The PLEC c.11302C>T variant is predicted to result in the amino acid substitution p.Arg3768Trp. To our knowledge, this variant has not been reported in the literature. This variant is reported in 0.0087% of alleles in individuals of Latino descent in gnomAD. At this time, the clinical significance of this variant is uncertain due to the absence of conclusive functional and genetic evidence.

Labcorp Genetics (formerly Invitae), Labcorp
Classification: Uncertain significance for Autosomal recessive limb-girdle muscular dystrophy type 2Q; Epidermolysis bullosa simplex, Ogna type; Epidermolysis bullosa simplex with nail dystrophy; Epidermolysis bullosa simplex 5C, with pyloric atresia; Epidermolysis bullosa simplex 5B, with muscular dystrophy. Last evaluated: 2025-11-10. Review status: criteria provided, single submitter. Criteria: Invitae Variant Classification Sherloc (09022015). Collection method: clinical testing. Allele origin: germline.
Comment: This sequence change replaces arginine, which is basic and polar, with tryptophan, which is neutral and slightly polar, at codon 3768 of the PLEC protein (p.Arg3768Trp). This variant is present in population databases (rs782510033, gnomAD 0.009%). This variant has not been reported in the literature in individuals affected with PLEC-related conditions. ClinVar contains an entry for this variant (Variation ID: 1302267). An algorithm developed to predict the effect of missense changes on protein structure and function (PolyPhen-2) suggests that this variant is likely to be disruptive. In summary, the available evidence is currently insufficient to determine the role of this variant in disease. Therefore, it has been classified as a Variant of Uncertain Significance.

Ambry Genetics
Classification: Uncertain significance for Inborn genetic diseases. Last evaluated: 2024-12-03. Review status: criteria provided, single submitter. Criteria: Ambry Variant Classification Scheme 2023. Collection method: clinical testing. Allele origin: germline.

Revvity Omics, Revvity
Classification: Uncertain significance. Last evaluated: 2023-01-23. Review status: criteria provided, single submitter. Criteria: ACMG Guidelines, 2015. Collection method: clinical testing. Allele origin: germline.

GeneDx
Classification: Uncertain significance. Last evaluated: 2019-07-01. Review status: criteria provided, single submitter. Criteria: GeneDx Variant Classification Process June 2021. Collection method: clinical testing. Allele origin: germline. Affected: yes.
Comment: In silico analysis, which includes protein predictors and evolutionary conservation, supports a deleterious effect; Missense variant in a gene in which most reported pathogenic variants are truncating/loss-of-function; Has not been previously published as pathogenic or benign to our knowledge

NM_201384.3(PLEC):c.11221C>T (p.Arg3741Trp)

Gene: PLEC (plectin; minus strand). Cytogenetic location: 8q24.3.
Variant type: single nucleotide variant.
Coding change: c.11221C>T on transcript NM_201384.3 (MANE Select); coding-DNA position 11221, C replaced by T.
Protein change: p.Arg3741Trp; replaces arginine 3741 with tryptophan.
Molecular consequence: missense variant.
Genome position (GRCh38, 1-based): chr8:143,918,600, G>A on the plus strand (C>T on the coding strand, the complement: PLEC is on the minus strand). VCF-style: chr8-143918600-G-A. GRCh37 (hg19) VCF-style: chr8-144992768-G-A.
Other names: c.11302C>T, p.Arg3768Trp (NM_000445.5); c.11179C>T, p.Arg3727Trp (NM_201378.4); c.11155C>T, p.Arg3719Trp (NM_201379.3); c.11632C>T, p.Arg3878Trp (NM_201380.4); c.11125C>T, p.Arg3709Trp (NM_201381.3); c.11221C>T, p.Arg3741Trp (NM_201382.4); c.11233C>T, p.Arg3745Trp (NM_201383.3); c.11302C>T (NM_000445.4); short protein forms R3709W, R3719W, R3727W, R3741W, R3745W, R3768W, R3878W.
Identifiers: ClinVar variation 1302267 (VCV001302267.8), dbSNP rs782510033, ClinGen allele CA187608313.